The following is an entry in ClinVar:

NM_015443.4(KANSL1):c.2038C>T (p.His680Tyr)

Gene: KANSL1 (KAT8 regulatory NSL complex subunit 1). Cytogenetic location: 17q21.31.
Variant type: single nucleotide variant.
Coding change: c.2038C>T on transcript NM_015443.4 (MANE Select); coding-DNA position 2038, C replaced by T.
Protein change: p.His680Tyr; replaces histidine 680 with tyrosine.
Molecular consequence: missense variant.
Genome position (GRCh38, 1-based): chr17:46,039,867, G>A on the plus strand (C>T on the coding strand, the complement: KANSL1 is on the minus strand). VCF-style: chr17-46039867-G-A. GRCh37 (hg19) VCF-style: chr17-44117233-G-A.
Other names: c.772C>T, p.His258Tyr (NM_001405885.1, NM_001405882.1, NM_001405883.1 and 1 more transcripts); c.2038C>T, p.His680Tyr (NM_001405880.1, NM_001193465.2, NM_001193466.2 and 14 more transcripts); c.1936C>T, p.His646Tyr (NM_001405881.1, NM_001405859.1, NM_001405860.1 and 1 more transcripts); short protein forms H680Y, H258Y, H646Y.
Identifiers: ClinVar variation 3705948 (VCV003705948.2).

ClinVar aggregate classification (germline): Uncertain significance (1 of 4 stars; one submission).

Conditions:
Koolen-de Vries syndrome (KDVS). Identifiers: Orphanet 96169, MedGen C1864871, MONDO:0012496, OMIM 610443.

gnomAD v4.1: 3 of 1,614,206 alleles (0.00019%); highest among the groups gnomAD compares: Admixed American, 0.005%; no homozygotes.

Submission:

Labcorp Genetics (formerly Invitae), Labcorp
Classification: Uncertain significance for Koolen-de Vries syndrome. Last evaluated: 2025-05-27. Review status: criteria provided, single submitter. Criteria: Invitae Variant Classification Sherloc (09022015). Collection method: clinical testing. Allele origin: germline.
Comment: This sequence change replaces histidine, which is basic and polar, with tyrosine, which is neutral and polar, at codon 680 of the KANSL1 protein (p.His680Tyr). This variant is present in population databases (no rsID available, gnomAD 0.01%). This variant has not been reported in the literature in individuals affected with KANSL1-related conditions. ClinVar contains an entry for this variant (Variation ID: 3705948). Invitae Evidence Modeling of protein sequence and biophysical properties (such as structural, functional, and spatial information, amino acid conservation, physicochemical variation, residue mobility, and thermodynamic stability) indicates that this missense variant is not expected to disrupt KANSL1 protein function with a negative predictive value of 80%. In summary, the available evidence is currently insufficient to determine the role of this variant in disease. Therefore, it has been classified as a Variant of Uncertain Significance.